The following is an entry in ClinVar:

ClinVar aggregate classification (germline): Benign (0 of 4 stars; one submission).

Conditions:
CASP9-related disorder. Also called: CASP9-related condition.

Allele frequency attached by ClinVar (database versions not stated): gnomAD exomes 0.00017; ExAC 0.00080; gnomAD 0.00196; ESP Exome Variant Server 0.00215; 1000 Genomes Project 30x 0.00219; TOPMed 0.00224; 1000 Genomes Project 0.00260.
gnomAD v4.1: 565 of 1,610,470 alleles (0.035%); highest among the groups gnomAD compares: African/African-American, 0.68%; no homozygotes.

Submission:

PreventionGenetics, part of Exact Sciences
Classification: Benign for CASP9-related condition. Last evaluated: 2019-08-28. Review status: no assertion criteria provided. Collection method: clinical testing. Allele origin: germline.
Comment: This variant is classified as benign based on ACMG/AMP sequence variant interpretation guidelines (Richards et al. 2015 PMID: 25741868, with internal and published modifications).

NM_001229.5(CASP9):c.721-5T>C

Gene: CASP9 (caspase 9; minus strand). Cytogenetic location: 1p36.21.
Variant type: single nucleotide variant.
Coding change: c.721-5T>C on transcript NM_001229.5 (MANE Select); 5 bases into the intron before coding-DNA position 721, T replaced by C.
Molecular consequence: intron variant.
Genome position (GRCh38, 1-based): chr1:15,504,763, A>G on the plus strand (T>C on the coding strand, the complement: CASP9 is on the minus strand). VCF-style: chr1-15504763-A-G. GRCh37 (hg19) VCF-style: chr1-15831258-A-G.
Other names: c.472-5T>C (NM_032996.3); c.419-9311T>C (NM_001278054.2).
Identifiers: ClinVar variation 3053478 (VCV003053478.2), dbSNP rs9282625, ClinGen allele CA614472.